The following is an entry in ClinVar:

NM_000313.4(PROS1):c.1892C>G (p.Pro631Arg)

Gene: PROS1 (protein S; minus strand). Cytogenetic location: 3q11.1.
Variant type: single nucleotide variant.
Coding change: c.1892C>G on transcript NM_000313.4 (MANE Select); coding-DNA position 1892, C replaced by G.
Protein change: p.Pro631Arg; replaces proline 631 with arginine.
Molecular consequence: missense variant.
Genome position (GRCh38, 1-based): chr3:93,874,384, G>C on the plus strand (C>G on the coding strand, the complement: PROS1 is on the minus strand). VCF-style: chr3-93874384-G-C. GRCh37 (hg19) VCF-style: chr3-93593228-G-C.
Other names: c.1988C>G, p.Pro663Arg (NM_001314077.2); short protein forms P663R, P631R.
Identifiers: ClinVar variation 4753701 (VCV004753701.1).

ClinVar aggregate classification (germline): Uncertain significance (1 of 4 stars; one submission).

Conditions:
Thrombophilia due to protein S deficiency, autosomal recessive (THPH6). Identifiers: Orphanet 743, MedGen C3281092, MONDO:0013791, OMIM 614514. Disease mechanism: loss of function.

gnomAD v4.1: 2 of 1,613,282 alleles (0.00012%); no homozygotes.

Submission:

Labcorp Genetics (formerly Invitae), Labcorp
Classification: Uncertain significance for Thrombophilia due to protein S deficiency, autosomal recessive. Last evaluated: 2025-06-22. Review status: criteria provided, single submitter. Criteria: Invitae Variant Classification Sherloc (09022015). Collection method: clinical testing. Allele origin: germline.
Comment: This sequence change replaces proline, which is neutral and non-polar, with arginine, which is basic and polar, at codon 631 of the PROS1 protein (p.Pro631Arg). This variant is not present in population databases (gnomAD no frequency). This variant has not been reported in the literature in individuals affected with PROS1-related conditions. Invitae Evidence Modeling of protein sequence and biophysical properties (such as structural, functional, and spatial information, amino acid conservation, physicochemical variation, residue mobility, and thermodynamic stability) indicates that this missense variant is expected to disrupt PROS1 protein function with a positive predictive value of 80%. In summary, the available evidence is currently insufficient to determine the role of this variant in disease. Therefore, it has been classified as a Variant of Uncertain Significance.